The following is an entry in ClinVar:

ClinVar aggregate classification (germline): Conflicting classifications of pathogenicity. Review status: criteria provided, conflicting classifications (1 of 4 stars). 5 submissions from 5 submitters: Likely pathogenic (3); Uncertain significance (2). Last evaluated 2026-04-06.

Conditions:
Hereditary cancer-predisposing syndrome. Also called: Hereditary Cancer Syndrome; Tumor predisposition; Hereditary neoplastic syndrome; Neoplastic Syndromes, Hereditary. Identifiers: Orphanet 140162, MedGen C0027672, MeSH D009386, MONDO:0015356.
Familial cancer of breast. Also called: Hereditary breast cancer; BREAST CANCER, FAMILIAL; hereditary breast carcinoma. Identifiers: Orphanet 227535, MedGen C0346153, MONDO:0016419, OMIM 114480. Disease mechanism: loss of function.
Hereditary breast ovarian cancer syndrome. Also called: Hereditary breast and ovarian cancer syndrome; Hereditary breast and/or ovarian cancer syndrome; Hereditary breast and ovarian cancer syndrome (HBOC); Hereditary breast and ovarian cancer; Breast and ovarian cancer; BRCA1- and BRCA2-Associated Hereditary Breast and Ovarian Cancer. Identifiers: Orphanet 145, MedGen C0677776, MeSH D061325, MONDO:0003582. Disease mechanism: loss of function.

Allele frequency attached by ClinVar (database versions not stated): gnomAD exomes below 0.00001.
gnomAD v4.1: 1 of 1,588,812 alleles (0.000063%); highest among the groups gnomAD compares: East Asian, 0.0022%; no homozygotes.

Submissions (5):

Ambry Genetics
Classification: Likely pathogenic for Hereditary cancer-predisposing syndrome. Last evaluated: 2026-04-06. Review status: criteria provided, single submitter. Criteria: Ambry Variant Classification Scheme 2023. Collection method: clinical testing. Allele origin: germline.
Comment: The c.1461+5G>T intronic variant results from a G to T substitution 5 nucleotides after coding exon 12 in the CHEK2 gene. This nucleotide position is highly conserved in available vertebrate species. In silico splice site analysis predicts that this alteration will weaken the native splice donor site. RNA studies have demonstrated that this variant results in abnormal splicing in the set of samples tested (Ambry internal data; Munch AK et al. Cancers (Basel). 2025 May;17(11)). In addition, this variant resulted in complete aberrant splicing in a minigene-based splicing analysis (Sanoguera-Miralles L et al. Clin Chem. 2024 Jan;70(1):319-338). Based on the majority of available evidence to date, this variant is likely to be pathogenic.

Labcorp Genetics (formerly Invitae), Labcorp
Classification: Uncertain significance for Familial cancer of breast. Last evaluated: 2025-10-23. Review status: criteria provided, single submitter. Criteria: Invitae Variant Classification Sherloc (09022015). Collection method: clinical testing. Allele origin: germline.
Comment: This sequence change falls in intron 13 of the CHEK2 gene. It does not directly change the encoded amino acid sequence of the CHEK2 protein. It affects a nucleotide within the consensus splice site. This variant is present in population databases (no rsID available, gnomAD 0.006%). This variant has not been reported in the literature in individuals affected with CHEK2-related conditions. ClinVar contains an entry for this variant (Variation ID: 418975). Variants that disrupt the consensus splice site are a relatively common cause of aberrant splicing (PMID: 17576681, 9536098). Algorithms developed to predict the effect of sequence changes on RNA splicing suggest that this variant may disrupt the consensus splice site. This variant disrupts the c.1461+5G nucleotide in the CHEK2 gene. Other variant(s) that disrupt this nucleotide have been determined to be pathogenic (PMID: 39582020; internal data). This suggests that this nucleotide is clinically significant, and that variants that disrupt this position are likely to be disease-causing. In summary, the available evidence is currently insufficient to determine the role of this variant in disease. Therefore, it has been classified as a Variant of Uncertain Significance.

Center for Genomic Medicine, Rigshospitalet, Copenhagen University Hospital
Classification: Likely pathogenic. Last evaluated: 2025-03-04. Review status: criteria provided, single submitter. Criteria: ACMG Guidelines, 2015. Collection method: clinical testing. Allele origin: germline.
Comment: Classification criteria: PVS1, PM2_Supporting

German Consortium for Hereditary Breast and Ovarian Cancer, University Hospital Cologne
Classification: Likely pathogenic for Hereditary breast ovarian cancer syndrome. Last evaluated: 2024-11-11. Review status: criteria provided, single submitter. Criteria: ACMG Guidelines, 2015. Collection method: curation. Allele origin: germline.
Comment: Three variants reported of uncertain significance (VUS) in ClinVar (c.846+5G>A, c.1375G>A, and c.1461+5G>T) are reclassified as LP/P in our study. In all three variants, the mgCHEK2 read-out is clear-cut (PVS1_O). This, in combination with the rarity code PM2_supporting, allows a LP/P classification. ClinVar submitters acknowledge splicing predictions for all three variants, but the lack of experimental splicing data (previous to the present study) prevented LP/P classification; According to the ACMG SVI adaptation criteria we chose these criteria: PVS1 (very strong pathogenic): PMID: 37725924 , PM2 (supporting pathogenic): rare variant not in .gnomAD V3 only 1x in gnomAD V4

GeneDx
Classification: Uncertain significance. Last evaluated: 2015-05-04. Review status: criteria provided, single submitter. Criteria: GeneDx Variant Classification (06012015). Collection method: clinical testing. Allele origin: germline. Affected: yes.
Comment: This variant is denoted CHEK2 c.1461+5G>T or IVS13+5G>T and consists of a G>T nucleotide substitution at the +5 position of intron 13 of the CHEK2 gene. Multiple in silico models predict this variant to damage the nearby natural donor site, and to possibly cause abnormal gene splicing. This variant has not, to our knowledge, been published in the literature as pathogenic or benign. The guanine (G) nucleotide that is altered is conserved across species. Based on currently available information, it is unclear whether CHEK2 c.1461+5G>T is pathogenic or benign. We consider it to be a variant of uncertain significance.

Literature cited by the submitters: PubMed 37725924 (cited by Ambry Genetics and Center for Genomic Medicine, Rigshospitalet, Copenhagen University Hospital); PubMed 40507299 (cited by Ambry Genetics); PubMed 17576681 (cited by Labcorp Genetics (formerly Invitae), Labcorp); PubMed 9536098 (cited by Labcorp Genetics (formerly Invitae), Labcorp); PubMed 39582020 (cited by Labcorp Genetics (formerly Invitae), Labcorp).

NM_007194.4(CHEK2):c.1461+5G>T

Gene: CHEK2 (checkpoint kinase 2; minus strand). Cytogenetic location: 22q12.1.
Variant type: single nucleotide variant.
Coding change: c.1461+5G>T on transcript NM_007194.4 (MANE Select); 5 bases into the intron after coding-DNA position 1461, G replaced by T.
Molecular consequence: intron variant.
Genome position (GRCh38, 1-based): chr22:28,694,027, C>A on the plus strand (G>T on the coding strand, the complement: CHEK2 is on the minus strand). VCF-style: chr22-28694027-C-A. GRCh37 (hg19) VCF-style: chr22-29090015-C-A.
Other names: c.798+5G>T (NM_001437942.1, NM_001257387.3); c.1260+5G>T (NM_001349956.3); c.1374+5G>T (NM_145862.3); c.1467+5G>T (NM_001438295.1); c.1554+5G>T (NM_001438293.1); c.1503+5G>T (NM_001438294.1); c.1590+5G>T (NM_001005735.3).
Identifiers: ClinVar variation 418975 (VCV000418975.23), dbSNP rs769841229, ClinGen allele CA16621045.